The following is an entry in ClinVar:

NM_003482.4(KMT2D):c.14503G>A (p.Ala4835Thr)

Gene: KMT2D (lysine methyltransferase 2D; minus strand). Cytogenetic location: 12q13.12.
Variant type: single nucleotide variant.
Coding change: c.14503G>A on transcript NM_003482.4 (MANE Select); coding-DNA position 14503, G replaced by A.
Protein change: p.Ala4835Thr; replaces alanine 4835 with threonine.
Molecular consequence: missense variant.
Genome position (GRCh38, 1-based): chr12:49,028,021, C>T on the plus strand (G>A on the coding strand, the complement: KMT2D is on the minus strand). VCF-style: chr12-49028021-C-T. GRCh37 (hg19) VCF-style: chr12-49421804-C-T.
Other names: short protein forms A4835T.
Identifiers: ClinVar variation 2181551 (VCV002181551.8), dbSNP rs780957515, ClinGen allele CA6545727.

ClinVar aggregate classification (germline): Conflicting classifications of pathogenicity. Review status: criteria provided, conflicting classifications (1 of 4 stars). 4 submissions from 4 submitters: Uncertain significance (1); Benign (1); Likely benign (2). Last evaluated 2024-06-04.

Conditions:
KMT2D-related disorder. Also called: KMT2D-Related Disorders.
Inborn genetic diseases. Identifiers: MedGen C0950123, MeSH D030342.
Kabuki syndrome. Also called: Kabuki make-up syndrome; NIIKAWA-KUROKI SYNDROME. Identifiers: Orphanet 2322, MedGen C0796004, MONDO:0016512.

Allele frequency attached by ClinVar (database versions not stated): ExAC 0.00001; gnomAD exomes 0.00001; TOPMed 0.00008; gnomAD 0.00011.

Submissions (4):

Labcorp Genetics (formerly Invitae), Labcorp
Classification: Benign for Kabuki syndrome. Last evaluated: 2024-06-04. Review status: criteria provided, single submitter. Criteria: Invitae Variant Classification Sherloc (09022015). Collection method: clinical testing. Allele origin: germline.

Ambry Genetics
Classification: Likely benign for Inborn genetic diseases. Last evaluated: 2023-03-21. Review status: criteria provided, single submitter. Criteria: Ambry Variant Classification Scheme 2023. Collection method: clinical testing. Allele origin: germline.

PreventionGenetics, part of Exact Sciences
Classification: Uncertain significance for KMT2D-related condition. Last evaluated: 2022-08-22. Review status: criteria provided, single submitter. Criteria: ACMG Guidelines, 2015. Collection method: clinical testing. Allele origin: germline.
Comment: The KMT2D c.14503G>A variant is predicted to result in the amino acid substitution p.Ala4835Thr. To our knowledge, this variant has not been reported in the literature. This variant is reported in 0.021% of alleles in individuals of African descent in gnomAD. Although we suspect that this variant may be benign, at this time, the clinical significance of this variant is uncertain due to the absence of conclusive functional and genetic evidence.

Blueprint Genetics
Classification: Likely benign. Last evaluated: 2021-04-26. Review status: criteria provided, single submitter. Criteria: ACMG Guidelines, 2015. Collection method: clinical testing. Allele origin: germline.